The following is an entry in ClinVar:

NM_001042492.3(NF1):c.926G>T (p.Gly309Val)

Gene: NF1 (neurofibromin 1; plus strand). Cytogenetic location: 17q11.2.
Variant type: single nucleotide variant.
Coding change: c.926G>T on transcript NM_001042492.3 (MANE Select); coding-DNA position 926, G replaced by T.
Protein change: p.Gly309Val; replaces glycine 309 with valine.
Molecular consequence: missense variant.
Genome position (GRCh38, 1-based): chr17:31,200,459, G>T. VCF-style: chr17-31200459-G-T. GRCh37 (hg19) VCF-style: chr17-29527477-G-T.
Other names: c.926G>T, p.Gly309Val (NM_000267.4, NM_001128147.3); short protein forms G309V.
Identifiers: ClinVar variation 1942021 (VCV001942021.5), dbSNP rs1555610862, ClinGen allele CA398995650.
Genomic context (GRCh38, chr17:31,200,459, plus strand): 5'-ATCGCTATATTTGAATTCTGTAGAAGTTATTTCTGGACAGTCTACGAAAAGCTCTTGCTG[G>T]CCATGGAGGAAGTAGGCAGCTGACAGAAAGTGCTGCAATTGCCTGTGTCAAACTGTGTAA-3'
Protein context (NP_001035957.1, residues 299-319): FLDSLRKALA[Gly309Val]HGGSRQLTES

ClinVar aggregate classification (germline): Uncertain significance (1 of 4 stars; one submission).

Conditions:
Neurofibromatosis, type 1 (NF1). Also called: NEUROFIBROMATOSIS, TYPE I, SOMATIC; VON RECKLINGHAUSEN DISEASE; Peripheral type neurofibromatosis; Neurofibromatosis, type I. Identifiers: Orphanet 636, MedGen C0027831, MONDO:0018975, OMIM 162200. Disease mechanism: loss of function.

Submission:

Labcorp Genetics (formerly Invitae), Labcorp
Classification: Uncertain significance for Neurofibromatosis, type 1. Last evaluated: 2022-09-13. Review status: criteria provided, single submitter. Criteria: Invitae Variant Classification Sherloc (09022015). Collection method: clinical testing. Allele origin: germline.
Comment: This sequence change replaces glycine, which is neutral and non-polar, with valine, which is neutral and non-polar, at codon 309 of the NF1 protein (p.Gly309Val). In summary, the available evidence is currently insufficient to determine the role of this variant in disease. Therefore, it has been classified as a Variant of Uncertain Significance. Advanced modeling of protein sequence and biophysical properties (such as structural, functional, and spatial information, amino acid conservation, physicochemical variation, residue mobility, and thermodynamic stability) has been performed at Invitae for this missense variant, however the output from this modeling did not meet the statistical confidence thresholds required to predict the impact of this variant on NF1 protein function. This variant has not been reported in the literature in individuals affected with NF1-related conditions. This variant is not present in population databases (gnomAD no frequency).